The following is an entry in ClinVar:

NM_015311.3(OBSL1):c.2730C>A (p.Ala910=)

Gene: OBSL1 (obscurin like cytoskeletal adaptor 1; minus strand). Cytogenetic location: 2q35.
Variant type: single nucleotide variant.
Coding change: c.2730C>A on transcript NM_015311.3 (MANE Select); coding-DNA position 2730, C replaced by A.
Protein change: p.Ala910=; no amino-acid change (alanine 910 retained).
Molecular consequence: synonymous variant.
Genome position (GRCh38, 1-based): chr2:219,562,625, G>T on the plus strand (C>A on the coding strand, the complement: OBSL1 is on the minus strand). VCF-style: chr2-219562625-G-T. GRCh37 (hg19) VCF-style: chr2-220427347-G-T.
Other names: c.2730C>A, p.Ala910= (NM_001173408.2, NM_001173431.2).
Identifiers: ClinVar variation 334500 (VCV000334500.25), dbSNP rs10804275, ClinGen allele CA2131105.
Genomic context (GRCh38, chr2:219,562,625, plus strand): 5'-GCGCACCTCTGCCCAGGGCCGGCATAGCTCACAGGTCAGCACCACACGCTCCAGGCGCAC[G>T]GCTGCCACATACACCTTGCCGCTGGGATACACGATCCACGAGGAGACGTCTGGAGGACAG-3'
Protein context (NP_056126.1, residues 900-920): VYPSGKVYVA[Ala910=]VRLERVVLTC

ClinVar aggregate classification (germline): Benign. Review status: criteria provided, multiple submitters, no conflicts (2 of 4 stars). 9 submissions from 9 submitters: Benign (7). 2 of the submissions do not count toward it. Last evaluated 2026-05-08.

Conditions:
3M syndrome 2. Also called: 3-M Syndrome, OBSL1-Related; THREE M SYNDROME 2. Identifiers: Orphanet 2616, MedGen C2752041, MONDO:0013039, OMIM 612921.

Allele frequency attached by ClinVar (database versions not stated): 1000 Genomes Project 0.16973; 1000 Genomes Project 30x 0.17473; ESP Exome Variant Server 0.21009; TOPMed 0.21085.
gnomAD v4.1: 376,331 of 1,588,388 alleles (24%); highest among the groups gnomAD compares: Admixed American, 27%; 46,345 homozygotes.

Submissions (9):

Women's Health and Genetics/Laboratory Corporation of America, LabCorp
Classification: Benign. Last evaluated: 2026-05-08. Review status: criteria provided, single submitter. Criteria: LabCorp Variant Classification Summary - May 2015. Collection method: clinical testing. Allele origin: germline.

Labcorp Genetics (formerly Invitae), Labcorp
Classification: Benign. Last evaluated: 2026-02-04. Review status: criteria provided, single submitter. Criteria: Invitae Variant Classification Sherloc (09022015). Collection method: clinical testing. Allele origin: germline.

Blueprint Genetics
Classification: Benign. Last evaluated: 2024-11-26. Review status: criteria provided, single submitter. Criteria: ACMG Guidelines, 2015. Collection method: clinical testing. Allele origin: germline.

Genome-Nilou Lab
Classification: Benign for 3M syndrome 2. Last evaluated: 2021-09-05. Review status: criteria provided, single submitter. Criteria: ACMG Guidelines, 2015. Collection method: clinical testing. Allele origin: germline. Affected: no.

GeneDx
Classification: Benign. Last evaluated: 2018-11-12. Review status: criteria provided, single submitter. Criteria: GeneDx Variant Classification Process June 2021. Collection method: clinical testing. Allele origin: germline. Affected: yes.

Illumina Laboratory Services, Illumina
Classification: Benign for 3M syndrome 2. Last evaluated: 2018-01-12. Review status: criteria provided, single submitter. Criteria: ICSL Variant Classification Criteria 13 December 2019. Collection method: clinical testing. Allele origin: germline.
Comment: This variant was observed in the ICSL laboratory as part of a predisposition screen in an ostensibly healthy population. It had not been previously curated by ICSL or reported in the Human Gene Mutation Database (HGMD: prior to June 1st, 2018), and was therefore a candidate for classification through an automated scoring system. Utilizing variant allele frequency, disease prevalence and penetrance estimates, and inheritance mode, an automated score was calculated to assess if this variant is too frequent to cause the disease. Based on the score and internal cut-off values, a variant classified as benign is not then subjected to further curation. The score for this variant resulted in a classification of benign for this disease.

Breakthrough Genomics
Classification: Benign. Review status: criteria provided, single submitter. Criteria: ACMG Guidelines, 2015. Collection method: not provided. Allele origin: germline. Inheritance: Autosomal recessive inheritance. Affected: yes.

Diagnostic Laboratory, Department of Genetics, University Medical Center Groningen
Classification: Benign. Review status: no assertion criteria provided. Collection method: clinical testing. Allele origin: germline. Affected: yes. Study: VKGL Data-share Consensus. Not counted in ClinVar's aggregate classification.

Joint Genome Diagnostic Labs from Nijmegen and Maastricht, Radboudumc and MUMC+
Classification: Benign. Review status: no assertion criteria provided. Collection method: clinical testing. Allele origin: germline. Affected: yes. Study: VKGL Data-share Consensus. Not counted in ClinVar's aggregate classification.